The following is an entry in ClinVar:

ClinVar aggregate classification (germline): Uncertain significance (1 of 4 stars; one submission).

Conditions:
Hereditary cancer-predisposing syndrome. Also called: Neoplastic Syndromes, Hereditary; Tumor predisposition; Hereditary Cancer Syndrome; Hereditary neoplastic syndrome. Identifiers: Orphanet 140162, MedGen C0027672, MeSH D009386, MONDO:0015356.

Submission:

Ambry Genetics
Classification: Uncertain significance for Hereditary cancer-predisposing syndrome. Last evaluated: 2022-01-31. Review status: criteria provided, single submitter. Criteria: Ambry Variant Classification Scheme 2023. Collection method: clinical testing. Allele origin: germline.
Comment: The p.C135W variant (also known as c.405C>G), located in coding exon 3 of the EPCAM gene, results from a C to G substitution at nucleotide position 405. The cysteine at codon 135 is replaced by tryptophan, an amino acid with highly dissimilar properties. This amino acid position is conserved. In addition, this alteration is predicted to be deleterious by in silico analysis. Since supporting evidence is limited at this time, the clinical significance of this alteration remains unclear.

NM_002354.3(EPCAM):c.405C>G (p.Cys135Trp)

Gene: EPCAM (epithelial cell adhesion molecule; plus strand). Cytogenetic location: 2p21.
Variant type: single nucleotide variant.
Coding change: c.405C>G on transcript NM_002354.3 (MANE Select); coding-DNA position 405, C replaced by G.
Protein change: p.Cys135Trp; replaces cysteine 135 with tryptophan.
Molecular consequence: missense variant.
Genome position (GRCh38, 1-based): chr2:47,374,028, C>G. VCF-style: chr2-47374028-C-G. GRCh37 (hg19) VCF-style: chr2-47601167-C-G.
Other names: short protein forms C135W.
Identifiers: ClinVar variation 1737450 (VCV001737450.2), dbSNP rs2103747980, ClinGen allele CA346723478.